The following is an entry in ClinVar:

ClinVar aggregate classification (germline): Uncertain significance (1 of 4 stars; one submission).

Conditions:
Hereditary cancer-predisposing syndrome. Also called: Hereditary Cancer Syndrome; Neoplastic Syndromes, Hereditary; Tumor predisposition; Hereditary neoplastic syndrome. Identifiers: Orphanet 140162, MedGen C0027672, MeSH D009386, MONDO:0015356.

Submission:

Ambry Genetics
Classification: Uncertain significance for Hereditary cancer-predisposing syndrome. Last evaluated: 2022-03-07. Review status: criteria provided, single submitter. Criteria: Ambry Variant Classification Scheme 2023. Collection method: clinical testing. Allele origin: germline.
Comment: The p.W179C variant (also known as c.537G>T), located in coding exon 4 of the CDK4 gene, results from a G to T substitution at nucleotide position 537. The tryptophan at codon 179 is replaced by cysteine, an amino acid with highly dissimilar properties. This amino acid position is highly conserved in available vertebrate species. In addition, this alteration is predicted to be deleterious by in silico analysis. Since supporting evidence is limited at this time, the clinical significance of this alteration remains unclear.

NM_000075.4(CDK4):c.537G>T (p.Trp179Cys)

Gene: CDK4 (cyclin dependent kinase 4; minus strand). Cytogenetic location: 12q14.1.
Variant type: single nucleotide variant.
Coding change: c.537G>T on transcript NM_000075.4 (MANE Select); coding-DNA position 537, G replaced by T.
Protein change: p.Trp179Cys; replaces tryptophan 179 with cysteine.
Molecular consequence: missense variant.
Genome position (GRCh38, 1-based): chr12:57,750,751, C>A on the plus strand (G>T on the coding strand, the complement: CDK4 is on the minus strand). VCF-style: chr12-57750751-C-A. GRCh37 (hg19) VCF-style: chr12-58144534-C-A.
Other names: short protein forms W179C.
Identifiers: ClinVar variation 1747167 (VCV001747167.2), dbSNP rs2140385865, ClinGen allele CA385545966.
Genomic context (GRCh38, chr12:57,750,751, plus strand): 5'-ACTCCACATGTCCACAGGTGTTGCATATGTGGACTGCAGAAGAACTTCGGGAGCTCGGTA[C>A]CAGAGTGTAACAACCTAAAGGGAATAGGAAGAATGGATGGGGACCCCATGGGTTACCATG-3'
Protein context (NP_000066.1, residues 169-189): MALTPVVVTL[Trp179Cys]YRAPEVLLQS